The following is an entry in ClinVar:

NM_000321.3(RB1):c.2363_2384dup (p.Leu797_Arg798insGlnValSerTerProLeu)

Gene: RB1 (RB transcriptional corepressor 1; plus strand). Cytogenetic location: 13q14.2.
Variant type: Duplication.
Coding change: c.2363_2384dup on transcript NM_000321.3 (MANE Select); coding-DNA positions 2363 to 2384, 22 bases duplicated (GCCCTTACAAGTTTCCTAGTTC).
Protein change: p.Leu797_Arg798insGlnValSerTerProLeu.
Molecular consequence: nonsense, inframe insertion.
Genome position (GRCh38, 1-based): chr13:48,465,242-48,465,263, GCCCTTACAAGTTTCCTAGTTC duplicated. VCF-style (leftmost placement, unchanged base first): chr13-48465241-A-AGCCCTTACAAGTTTCCTAGTTC. GRCh37 (hg19) VCF-style: chr13-49039377-A-AGCCCTTACAAGTTTCCTAGTTC.
Other names: c.2363_2384dupGCCCTTACAAGTTTCCTAGTTC (NM_000321.3).
Identifiers: ClinVar variation 821155 (VCV000821155.7), dbSNP rs1593539386, ClinGen allele CA915948572.
Genomic context (GRCh38, chr13:48,465,241, plus strand): 5'-TCTACTTTTTTGTTTTTGCTCTAGCCCCCTACCTTGTCACCAATACCTCACATTCCTCGA[A>AGCCCTTACAAGTTTCCTAGTTC]GCCCTTACAAGTTTCCTAGTTCACCCTTACGGATTCCTGGAGGGAACATCTATATTTCAC-3'

ClinVar aggregate classification (germline): Pathogenic. Review status: criteria provided, multiple submitters, no conflicts (2 of 4 stars). 3 submissions from 3 submitters: Pathogenic (3). Last evaluated 2024-05-20.

Conditions:
Hereditary cancer-predisposing syndrome. Also called: Neoplastic Syndromes, Hereditary; Tumor predisposition; Hereditary Cancer Syndrome; Hereditary neoplastic syndrome. Identifiers: Orphanet 140162, MedGen C0027672, MeSH D009386, MONDO:0015356.
Retinoblastoma (RB1). Also called: RETINOBLASTOMA, SOMATIC. Identifiers: Orphanet 790, MedGen C0035335, MeSH D012175, MONDO:0008380, OMIM 180200, HP:0009919. Disease mechanism: loss of function. Inheritance: Both sporadic and heritable forms are tested..

Submissions (3):

Genetic Diagnostic Laboratory, University of Pennsylvania School of Medicine
Classification: Pathogenic for Retinoblastoma. Last evaluated: 2024-05-20. Review status: criteria provided, single submitter. Criteria: ACMG Guidelines, 2015. Collection method: clinical testing. Allele origin: germline. Affected: yes. Observed: 1 variant allele.
Comment: Case and Pedigree Information: BILATERAL CASES:1, UNILATERAL CASES:0, TOTAL CASES:1, PEDIGREES:1. ACMG Codes Applied:PVS1, PM2

Department of Pediatrics, Memorial Sloan Kettering Cancer Center
Classification: Pathogenic for Retinoblastoma. Last evaluated: 2020-12-15. Review status: criteria provided, single submitter. Criteria: ACMG Guidelines, 2015. Collection method: research. Allele origin: germline. Affected: yes.

Ambry Genetics
Classification: Pathogenic for Hereditary cancer-predisposing syndrome. Last evaluated: 2019-10-04. Review status: criteria provided, single submitter. Criteria: Ambry Variant Classification Scheme 2023. Collection method: clinical testing. Allele origin: germline.
Comment: The c.2363_2384dup22 pathogenic mutation, located in coding exon 23 of the RB1 gene, results from a duplication of GCCCTTACAAGTTTCCTAGTTC at nucleotide position 2363, causing a translational frameshift with a predicted alternate stop codon (p.R798Qfs*4). This alteration is expected to result in loss of function by premature protein truncation or nonsense-mediated mRNA decay. As such, this alteration is interpreted as a disease-causing mutation.

Literature cited by the submitters: PubMed 28873162 (cited by Department of Pediatrics, Memorial Sloan Kettering Cancer Center).